The following is an entry in ClinVar:

ClinVar aggregate classification (germline): Uncertain significance (1 of 4 stars; one submission).

Submission:

Labcorp Genetics (formerly Invitae), Labcorp
Classification: Uncertain significance. Last evaluated: 2022-10-10. Review status: criteria provided, single submitter. Criteria: Invitae Variant Classification Sherloc (09022015). Collection method: clinical testing. Allele origin: germline.
Comment: Advanced modeling of protein sequence and biophysical properties (such as structural, functional, and spatial information, amino acid conservation, physicochemical variation, residue mobility, and thermodynamic stability) performed at Invitae indicates that this missense variant is expected to disrupt POLE protein function. In summary, the available evidence is currently insufficient to determine the role of this variant in disease. Therefore, it has been classified as a Variant of Uncertain Significance. This variant has not been reported in the literature in individuals affected with POLE-related conditions. This variant is not present in population databases (gnomAD no frequency). This sequence change replaces asparagine, which is neutral and polar, with histidine, which is basic and polar, at codon 657 of the POLE protein (p.Asn657His).

NM_006231.4(POLE):c.1969A>C (p.Asn657His)

Gene: POLE (DNA polymerase epsilon, catalytic subunit; minus strand). Cytogenetic location: 12q24.33.
Variant type: single nucleotide variant.
Coding change: c.1969A>C on transcript NM_006231.4 (MANE Select); coding-DNA position 1969, A replaced by C.
Protein change: p.Asn657His; replaces asparagine 657 with histidine.
Molecular consequence: missense variant.
Genome position (GRCh38, 1-based): chr12:132,668,692, T>G on the plus strand (A>C on the coding strand, the complement: POLE is on the minus strand). VCF-style: chr12-132668692-T-G. GRCh37 (hg19) VCF-style: chr12-133245278-T-G.
Other names: short protein forms N657H.
Identifiers: ClinVar variation 1721385 (VCV001721385.5), dbSNP rs1374450467, ClinGen allele CA387355056.
Genomic context (GRCh38, chr12:132,668,692, plus strand): 5'-CACTGAACTCGCCCCTCCACTGCCAGGCCATCTTCCGCTGGCAGTTTGCTCCAGGCTTAT[T>G]GAAGTCACAGGCAGCACAGGTGGCTTCGTCCACCATGGCAGAGGGCTGGGAGGGGTGAGA-3'
Protein context (NP_006222.2, residues 647-667): DEATCAACDF[Asn657His]KPGANCQRKM